The following is an entry in ClinVar:

ClinVar aggregate classification (germline): Conflicting classifications of pathogenicity. Review status: criteria provided, conflicting classifications (1 of 4 stars). 6 submissions from 6 submitters: Pathogenic (1); Likely pathogenic (3); Uncertain significance (2). Last evaluated 2026-01-25.

Conditions:
Niemann-Pick disease, type C (NPC). Identifiers: Orphanet 646, MedGen C0220756, MONDO:0018982.
Niemann-Pick disease, type C1. Also called: NIEMANN-PICK DISEASE, VARIANT TYPE C1; NEUROVISCERAL STORAGE DISEASE WITH VERTICAL SUPRANUCLEAR OPHTHALMOPLEGIA; NIEMANN-PICK DISEASE WITH CHOLESTEROL ESTERIFICATION BLOCK; NIEMANN-PICK DISEASE WITHOUT SPHINGOMYELINASE DEFICIENCY; NIEMANN-PICK DISEASE, CHRONIC NEURONOPATHIC FORM. Identifiers: Orphanet 646, MedGen C3179455, MONDO:0009757, OMIM 257220.
Cholestasis. Identifiers: MedGen C0008370, MONDO:0001751, HP:0001396.

Allele frequency attached by ClinVar (database versions not stated): gnomAD 0.00001 and 0.00004; gnomAD exomes 0.00002; ExAC 0.00003.
gnomAD v4.1: 33 of 1,613,394 alleles (0.002%); highest among the groups gnomAD compares: South Asian, 0.032%; no homozygotes.

Submissions (6):

Labcorp Genetics (formerly Invitae), Labcorp
Classification: Pathogenic for Niemann-Pick disease, type C1. Last evaluated: 2026-01-25. Review status: criteria provided, single submitter. Criteria: Invitae Variant Classification Sherloc (09022015). Collection method: clinical testing. Allele origin: germline.
Comment: This sequence change replaces phenylalanine, which is neutral and non-polar, with cysteine, which is neutral and slightly polar, at codon 101 of the NPC1 protein (p.Phe101Cys). This variant is present in population databases (rs548191894, gnomAD 0.02%). This missense change has been observed in individual(s) with Niemann-Pick disease type C (PMID: 26981555; internal data). In at least one individual the data is consistent with being in trans (on the opposite chromosome) from a pathogenic variant. ClinVar contains an entry for this variant (Variation ID: 500461). Invitae Evidence Modeling of protein sequence and biophysical properties (such as structural, functional, and spatial information, amino acid conservation, physicochemical variation, residue mobility, and thermodynamic stability) indicates that this missense variant is expected to disrupt NPC1 protein function with a positive predictive value of 95%. For these reasons, this variant has been classified as Pathogenic.

Women's Health and Genetics/Laboratory Corporation of America, LabCorp
Classification: Likely pathogenic for Niemann-Pick disease, type C. Last evaluated: 2025-08-15. Review status: criteria provided, single submitter. Criteria: LabCorp Variant Classification Summary - May 2015. Collection method: clinical testing. Allele origin: germline.
Comment: Variant summary: NPC1 c.302T>G (p.Phe101Cys) results in a non-conservative amino acid change located in the Niemann-Pick C1, N-terminal domain (IPR032190) of the encoded protein sequence. Algorithms developed to predict the effect of missense changes on protein structure and function all suggest that this variant is likely to be disruptive. The variant allele was found at a frequency of 2.4e-05 in 251334 control chromosomes. c.302T>G has been reported in the literature in compound heterozygous individuals affected with Niemann-Pick Disease Type C (Reunert_2016, and Panigrahi_2019, internal data). These data indicate that the variant may be associated with disease. To our knowledge, no experimental evidence demonstrating an impact on protein function has been reported. ClinVar contains an entry for this variant (Variation ID: 500461). Based on the evidence outlined above, the variant was classified as likely pathogenic.

Blueprint Genetics
Classification: Uncertain significance. Last evaluated: 2024-09-04. Review status: criteria provided, single submitter. Criteria: ACMG Guidelines, 2015. Collection method: clinical testing. Allele origin: germline.

Institute Of Liver Studies, NHS South East Genomic Laboratory Hub
Classification: Likely pathogenic for Cholestasis. Last evaluated: 2023-09-13. Review status: criteria provided, single submitter. Criteria: ACMG Guidelines, 2015. Collection method: clinical testing. Allele origin: germline. Affected: yes.

Eurofins Ntd Llc (ga)
Classification: Uncertain significance. Last evaluated: 2017-02-17. Review status: criteria provided, single submitter. Criteria: EGL Classification Definitions 2015. Collection method: clinical testing. Allele origin: germline. Observed: 1 variant allele, 1 heterozygote.

Neuberg Centre For Genomic Medicine, NCGM
Classification: Likely pathogenic for Niemann-Pick disease, type C1. Review status: criteria provided, single submitter. Criteria: ACMG Guidelines, 2015. Collection method: clinical testing. Allele origin: germline. Inheritance: Autosomal recessive inheritance. Affected: yes.

Literature cited by the submitters: PubMed 26981555 (cited by Labcorp Genetics (formerly Invitae), Labcorp and Women's Health and Genetics/Laboratory Corporation of America, LabCorp); PubMed 31139477 (cited by Women's Health and Genetics/Laboratory Corporation of America, LabCorp); PubMed 33139814 (cited by Women's Health and Genetics/Laboratory Corporation of America, LabCorp).

NM_000271.5(NPC1):c.302T>G (p.Phe101Cys)

Gene: NPC1 (NPC intracellular cholesterol transporter 1; minus strand). Cytogenetic location: 18q11.2.
Variant type: single nucleotide variant.
Coding change: c.302T>G on transcript NM_000271.5 (MANE Select); coding-DNA position 302, T replaced by G.
Protein change: p.Phe101Cys; replaces phenylalanine 101 with cysteine.
Molecular consequence: missense variant.
Genome position (GRCh38, 1-based): chr18:23,568,984, A>C on the plus strand (T>G on the coding strand, the complement: NPC1 is on the minus strand). VCF-style: chr18-23568984-A-C. GRCh37 (hg19) VCF-style: chr18-21148948-A-C.
Other names: short protein forms F101C.
Identifiers: ClinVar variation 500461 (VCV000500461.18), dbSNP rs548191894, ClinGen allele CA8913762.